The following is an entry in ClinVar:

ClinVar aggregate classification (germline): Uncertain significance (1 of 4 stars; one submission).

Allele frequency attached by ClinVar (database versions not stated): gnomAD exomes below 0.00001.
gnomAD v4.1: 1 of 1,610,318 alleles (0.000062%); highest among the groups gnomAD compares: Non-Finnish European, 0.000085%; no homozygotes.

Submission:

Labcorp Genetics (formerly Invitae), Labcorp
Classification: Uncertain significance. Last evaluated: 2023-10-23. Review status: criteria provided, single submitter. Criteria: Invitae Variant Classification Sherloc (09022015). Collection method: clinical testing. Allele origin: germline.
Comment: This sequence change replaces lysine, which is basic and polar, with glutamic acid, which is acidic and polar, at codon 39 of the KLHL7 protein (p.Lys39Glu). This variant is not present in population databases (gnomAD no frequency). This variant has not been reported in the literature in individuals affected with KLHL7-related conditions. An algorithm developed to predict the effect of missense changes on protein structure and function (PolyPhen-2) suggests that this variant is likely to be disruptive. In summary, the available evidence is currently insufficient to determine the role of this variant in disease. Therefore, it has been classified as a Variant of Uncertain Significance.

NM_001031710.3(KLHL7):c.115A>G (p.Lys39Glu)

Gene: KLHL7 (kelch like family member 7; plus strand). Cytogenetic location: 7p15.3.
Variant type: single nucleotide variant.
Coding change: c.115A>G on transcript NM_001031710.3 (MANE Select); coding-DNA position 115, A replaced by G.
Protein change: p.Lys39Glu; replaces lysine 39 with glutamic acid.
Molecular consequence: missense variant. On other transcripts: non-coding transcript variant (2).
Genome position (GRCh38, 1-based): chr7:23,106,141, A>G. VCF-style: chr7-23106141-A-G. GRCh37 (hg19) VCF-style: chr7-23145760-A-G.
Other names: c.115A>G, p.Lys39Glu (NM_001172428.2); short protein forms K39E.
Identifiers: ClinVar variation 2771333 (VCV002771333.3), dbSNP rs1440669437, ClinGen allele CA366972833.